The following is an entry in ClinVar:

ClinVar aggregate classification (germline): Uncertain significance (1 of 4 stars; one submission).

gnomAD v4.1: 4 of 1,613,834 alleles (0.00025%); highest among the groups gnomAD compares: South Asian, 0.0033%; no homozygotes.

Submission:

Ambry Genetics
Classification: Uncertain significance. Last evaluated: 2025-12-29. Review status: criteria provided, single submitter. Criteria: Ambry Variant Classification Scheme 2023. Collection method: clinical testing. Allele origin: germline.
Comment: The c.338C>T (p.S113F) alteration is located in exon 4 (coding exon 4) of the ADGRE1 gene. This alteration results from a C to T substitution at nucleotide position 338, causing the serine (S) at amino acid position 113 to be replaced by a phenylalanine (F). Based on data from gnomAD, the T allele has an overall frequency of 0.001% (2/251424) total alleles studied. The highest observed frequency was 0.007% (2/30616) of South Asian alleles. Based on insufficient or conflicting evidence, the clinical significance of this alteration remains unclear.

NM_001974.5(ADGRE1):c.338C>T (p.Ser113Phe)

Gene: ADGRE1 (adhesion G protein-coupled receptor E1; plus strand). Cytogenetic location: 19p13.3.
Variant type: single nucleotide variant.
Coding change: c.338C>T on transcript NM_001974.5 (MANE Select); coding-DNA position 338, C replaced by T.
Protein change: p.Ser113Phe; replaces serine 113 with phenylalanine.
Molecular consequence: missense variant. On other transcripts: intron variant (2).
Genome position (GRCh38, 1-based): chr19:6,897,248, C>T. VCF-style: chr19-6897248-C-T. GRCh37 (hg19) VCF-style: chr19-6897259-C-T.
Other names: c.338C>T, p.Ser113Phe (NM_001256253.2, NM_001256255.2); c.239-180C>T (NM_001256252.2); c.238+707C>T (NM_001256254.2); short protein forms S113F.
Identifiers: ClinVar variation 4830197 (VCV004830197.1).
Genomic context (GRCh38, chr19:6,897,248, plus strand): 5'-CTAACTCATCCTGCAAAAACCTGTCAGGGAGGTACAAGTGCAGCTGTTTAGATGGTTTCT[C>T]TTCTCCCACTGGAAATGACTGGGTCCCAGGAAAGCCGGGCAATTTCTCCTGTACTGGTAA-3'
Protein context (NP_001965.3, residues 103-123): RYKCSCLDGF[Ser113Phe]SPTGNDWVPG